The following is an entry in ClinVar:

NM_002907.4(RECQL):c.518T>C (p.Val173Ala)

Gene: RECQL (RecQ like helicase; minus strand). Cytogenetic location: 12p12.1.
Variant type: single nucleotide variant.
Coding change: c.518T>C on transcript NM_002907.4 (MANE Select); coding-DNA position 518, T replaced by C.
Protein change: p.Val173Ala; replaces valine 173 with alanine.
Molecular consequence: missense variant.
Genome position (GRCh38, 1-based): chr12:21,483,558, A>G on the plus strand (T>C on the coding strand, the complement: RECQL is on the minus strand). VCF-style: chr12-21483558-A-G. GRCh37 (hg19) VCF-style: chr12-21636492-A-G.
Other names: c.518T>C, p.Val173Ala (NM_032941.3); short protein forms V173A.
Identifiers: ClinVar variation 2562123 (VCV002562123.2), dbSNP rs144313838, ClinGen allele CA384128002.

ClinVar aggregate classification (germline): Uncertain significance (1 of 4 stars; one submission).

Submission:

Ambry Genetics
Classification: Uncertain significance. Last evaluated: 2023-05-02. Review status: criteria provided, single submitter. Criteria: Ambry Variant Classification Scheme 2023. Collection method: clinical testing. Allele origin: germline.
Comment: The p.V173A variant (also known as c.518T>C), located in coding exon 5 of the RECQL gene, results from a T to C substitution at nucleotide position 518. The valine at codon 173 is replaced by alanine, an amino acid with similar properties. This amino acid position is conserved. In addition, the in silico prediction for this alteration is inconclusive. Since supporting evidence is limited at this time, the clinical significance of this alteration remains unclear.